The following is an entry in ClinVar:

NM_001367624.2(ZNF469):c.10484G>T (p.Gly3495Val)

Gene: ZNF469 (zinc finger protein 469; plus strand). Cytogenetic location: 16q24.2.
Variant type: single nucleotide variant.
Coding change: c.10484G>T on transcript NM_001367624.2 (MANE Select); coding-DNA position 10484, G replaced by T.
Protein change: p.Gly3495Val; replaces glycine 3495 with valine.
Molecular consequence: missense variant.
Genome position (GRCh38, 1-based): chr16:88,437,954, G>T. VCF-style: chr16-88437954-G-T. GRCh37 (hg19) VCF-style: chr16-88504362-G-T.
Other names: NM_001127464.1:c.10400G>T; short protein forms G3495V.
Identifiers: ClinVar variation 2340858 (VCV002340858.3), dbSNP rs770014757, ClinGen allele CA286386818.
Genomic context (GRCh38, chr16:88,437,954, plus strand): 5'-GCAGGGTGGCCATGCCCGGCAGTGCCCCTGGGCCCGGCGAGGACAGGCCTCCTCCCCGGG[G>T]AAGCAGCCCCATCCTGAGTGAGGGCTCTCTCCCGGCCCTGCTCCACCTGTGTTCGGAGGT-3'
Protein context (NP_001354553.1, residues 3485-3505): GPGEDRPPPR[Gly3495Val]SSPILSEGSL

ClinVar aggregate classification (germline): Uncertain significance. Review status: criteria provided, multiple submitters, no conflicts (2 of 4 stars). 2 submissions from 2 submitters: Uncertain significance (2). Last evaluated 2024-11-18.

Conditions:
Cardiovascular phenotype. Identifiers: MedGen CN230736.

Allele frequency attached by ClinVar (database versions not stated): TOPMed below 0.00001; gnomAD 0.00001.
gnomAD v4.1: 18 of 1,543,758 alleles (0.0012%); highest among the groups gnomAD compares: Non-Finnish European, 0.0016%; no homozygotes.

Submissions (2):

Labcorp Genetics (formerly Invitae), Labcorp
Classification: Uncertain significance. Last evaluated: 2024-11-18. Review status: criteria provided, single submitter. Criteria: Invitae Variant Classification Sherloc (09022015). Collection method: clinical testing. Allele origin: germline.
Comment: This sequence change replaces glycine, which is neutral and non-polar, with valine, which is neutral and non-polar, at codon 3467 of the ZNF469 protein (p.Gly3467Val). The frequency data for this variant in the population databases is considered unreliable, as metrics indicate poor data quality at this position in the gnomAD database. This variant has not been reported in the literature in individuals affected with ZNF469-related conditions. ClinVar contains an entry for this variant (Variation ID: 2340858). An algorithm developed to predict the effect of missense changes on protein structure and function (PolyPhen-2) suggests that this variant¬†is likely to be tolerated. Algorithms developed to predict the effect of sequence changes on RNA splicing suggest that this variant may create or strengthen a splice site. In summary, the available evidence is currently insufficient to determine the role of this variant in disease. Therefore, it has been classified as a Variant of Uncertain Significance.

Ambry Genetics
Classification: Uncertain significance for Cardiovascular phenotype. Last evaluated: 2022-12-28. Review status: criteria provided, single submitter. Criteria: Ambry Variant Classification Scheme 2023. Collection method: clinical testing. Allele origin: germline.